The following is an entry in ClinVar:

NM_005751.5(AKAP9):c.5947A>C (p.Met1983Leu)

Gene: AKAP9 (A-kinase anchoring protein 9; plus strand). Cytogenetic location: 7q21.2.
Variant type: single nucleotide variant.
Coding change: c.5947A>C on transcript NM_005751.5 (MANE Select); coding-DNA position 5947, A replaced by C.
Protein change: p.Met1983Leu; replaces methionine 1983 with leucine.
Molecular consequence: missense variant.
Genome position (GRCh38, 1-based): chr7:92,062,456, A>C. VCF-style: chr7-92062456-A-C. GRCh37 (hg19) VCF-style: chr7-91691770-A-C.
Other names: c.592A>C, p.Met198Leu (NM_001379277.1); c.5947A>C, p.Met1983Leu (NM_147185.3); short protein forms M1983L, M198L.
Identifiers: ClinVar variation 1750644 (VCV001750644.5), dbSNP rs766060779, ClinGen allele CA4336954.
Genomic context (GRCh38, chr7:92,062,456, plus strand): 5'-GAGGCAGAGCAACAGCAGATCCAAGAAGAAAGAGAATTACTGTCCAGACAAAAGGAAGCT[A>C]TGAAAGCAGAGGCAGGCCCAGTTGAACAACGTAAGTATTTTCAGAATTTGTATGAAACAG-3'
Protein context (NP_005742.4, residues 1973-1993): RELLSRQKEA[Met1983Leu]KAEAGPVEQQ

ClinVar aggregate classification (germline): Uncertain significance. Review status: criteria provided, multiple submitters, no conflicts (2 of 4 stars). 2 submissions from 2 submitters: Uncertain significance (2). Last evaluated 2025-12-28.

Conditions:
Cardiovascular phenotype. Identifiers: MedGen CN230736.
Long QT syndrome (LQTS). Identifiers: MedGen C0023976, MeSH D008133, MONDO:0002442. Disease mechanism: loss of function. Inheritance: Various modes of inheritance.

Allele frequency attached by ClinVar (database versions not stated): ExAC 0.00002; gnomAD 0.00002.

Submissions (2):

Labcorp Genetics (formerly Invitae), Labcorp
Classification: Uncertain significance for Long QT syndrome. Last evaluated: 2025-12-28. Review status: criteria provided, single submitter. Criteria: Invitae Variant Classification Sherloc (09022015). Collection method: clinical testing. Allele origin: germline.
Comment: This sequence change replaces methionine, which is neutral and non-polar, with leucine, which is neutral and non-polar, at codon 1983 of the AKAP9 protein (p.Met1983Leu). This variant is present in population databases (rs766060779, gnomAD 0.002%). This variant has not been reported in the literature in individuals affected with AKAP9-related conditions. ClinVar contains an entry for this variant (Variation ID: 1750644). An algorithm developed to predict the effect of missense changes on protein structure and function outputs the following: PolyPhen-2: "Benign". The leucine amino acid residue is found in multiple mammalian species, which suggests that this missense change does not adversely affect protein function. In summary, the available evidence is currently insufficient to determine the role of this variant in disease. Therefore, it has been classified as a Variant of Uncertain Significance.

Ambry Genetics
Classification: Uncertain significance for Cardiovascular phenotype. Last evaluated: 2023-11-21. Review status: criteria provided, single submitter. Criteria: Ambry Variant Classification Scheme 2023. Collection method: clinical testing. Allele origin: germline.
Comment: The p.M1983L variant (also known as c.5947A>C), located in coding exon 24 of the AKAP9 gene, results from an A to C substitution at nucleotide position 5947. The methionine at codon 1983 is replaced by leucine, an amino acid with highly similar properties. This amino acid position is well conserved in available vertebrate species; however, leucine is the reference amino acid in other vertebrate species. In addition, this alteration is predicted to be tolerated by in silico analysis. Since supporting evidence is limited at this time, the clinical significance of this alteration remains unclear.